The following is an entry in ClinVar:

ClinVar aggregate classification (germline): Uncertain significance. Review status: criteria provided, multiple submitters, no conflicts (2 of 4 stars). 2 submissions from 2 submitters: Uncertain significance (2). Last evaluated 2026-09-16.

Conditions:
Inborn genetic diseases. Identifiers: MedGen C0950123, MeSH D030342.

Allele frequency attached by ClinVar (database versions not stated): gnomAD exomes 0.00002.
gnomAD v4.1: 19 of 1,211,360 alleles (0.0016%); highest among the groups gnomAD compares: Non-Finnish European, 0.0019%; no homozygotes.

Submissions (2):

GeneDx
Classification: Uncertain significance. Last evaluated: 2026-09-16. Review status: criteria provided, single submitter. Criteria: GeneDx Variant Classification Process June 2021. Collection method: clinical testing. Allele origin: germline.
Comment: Not observed at significant frequency in large population cohorts (gnomAD); In silico analysis suggests that this missense variant does not alter protein structure/function; Has not been previously published as pathogenic or benign to our knowledge

Ambry Genetics
Classification: Uncertain significance for Inborn genetic diseases. Last evaluated: 2025-08-11. Review status: criteria provided, single submitter. Criteria: Ambry Variant Classification Scheme 2023. Collection method: clinical testing. Allele origin: germline.

NM_001368397.1(FRMPD4):c.2415G>C (p.Met805Ile)

Gene: FRMPD4 (FERM and PDZ domain containing 4; plus strand). Cytogenetic location: Xp22.2.
Variant type: single nucleotide variant.
Coding change: c.2415G>C on transcript NM_001368397.1 (MANE Select); coding-DNA position 2415, G replaced by C.
Protein change: p.Met805Ile; replaces methionine 805 with isoleucine.
Molecular consequence: missense variant.
Genome position (GRCh38, 1-based): chrX:12,716,874, G>C. VCF-style: chrX-12716874-G-C. GRCh37 (hg19) VCF-style: chrX-12734993-G-C.
Other names: c.2526G>C, p.Met842Ile (NM_001368395.3, NM_001368398.3); c.2421G>C, p.Met807Ile (NM_001368396.3); c.2406G>C, p.Met802Ile (NM_001368399.3); c.2295G>C, p.Met765Ile (NM_001368400.3); c.2391G>C, p.Met797Ile (NM_001368401.1, NM_001368402.3); c.2415G>C, p.Met805Ile (NM_014728.3); short protein forms M765I, M797I, M802I, M805I, M807I, M842I.
Identifiers: ClinVar variation 1303881 (VCV001303881.4), dbSNP rs2042097483, ClinGen allele CA412312240.
Genomic context (GRCh38, chrX:12,716,874, plus strand): 5'-CCTGCCCCCTCCAGAAGGTGATGACAATGAGGATGACTTCCTGTTGCGTTCCTTGAACAT[G>C]GCCATTGCCGCACCCCCACCTGGCTTTAGAGACAGTTCAGATGAAGAGGACTCTCAGAGC-3'
Protein context (NP_001355326.1, residues 795-815): EDDFLLRSLN[Met805Ile]AIAAPPPGFR